The following is an entry in ClinVar:

ClinVar aggregate classification (germline): Uncertain significance (1 of 4 stars; one submission).

gnomAD v4.1: 253 of 1,609,586 alleles (0.016%); highest among the groups gnomAD compares: Non-Finnish European, 0.02%; no homozygotes.

Submission:

Ambry Genetics
Classification: Uncertain significance. Last evaluated: 2025-11-03. Review status: criteria provided, single submitter. Criteria: Ambry Variant Classification Scheme 2023. Collection method: clinical testing. Allele origin: germline.
Comment: The c.1262G>A (p.R421Q) alteration is located in exon 9 (coding exon 9) of the KIAA1147 gene. This alteration results from a G to A substitution at nucleotide position 1262, causing the arginine (R) at amino acid position 421 to be replaced by a glutamine (Q). Based on data from gnomAD, the A allele has an overall frequency of 0.004% (11/271670) total alleles studied. The highest observed frequency was 0.008% (10/124058) of European (non-Finnish) alleles. Based on insufficient or conflicting evidence, the clinical significance of this alteration remains unclear.

NM_001080392.2(DENND11):c.1262G>A (p.Arg421Gln)

Gene: DENND11 (DENN domain containing 11; minus strand). Cytogenetic location: 7q34.
Variant type: single nucleotide variant.
Coding change: c.1262G>A on transcript NM_001080392.2 (MANE Select); coding-DNA position 1262, G replaced by A.
Protein change: p.Arg421Gln; replaces arginine 421 with glutamine.
Molecular consequence: missense variant.
Genome position (GRCh38, 1-based): chr7:141,662,762, C>T on the plus strand (G>A on the coding strand, the complement: DENND11 is on the minus strand). VCF-style: chr7-141662762-C-T. GRCh37 (hg19) VCF-style: chr7-141362562-C-T.
Other names: short protein forms R421Q.
Identifiers: ClinVar variation 4659381 (VCV004659381.1).